The following is an entry in ClinVar:

ClinVar aggregate classification (germline): Benign (0 of 4 stars; one submission).

Conditions:
GPR75-related disorder. Also called: GPR75-related condition.

Allele frequency attached by ClinVar (database versions not stated): ESP Exome Variant Server 0.00008; TOPMed 0.00009; gnomAD 0.00040; gnomAD exomes 0.00079; ExAC 0.00154; 1000 Genomes Project 0.00200; 1000 Genomes Project 30x 0.00203.

Submission:

PreventionGenetics, part of Exact Sciences
Classification: Benign for GPR75-related condition. Last evaluated: 2019-06-07. Review status: no assertion criteria provided. Collection method: clinical testing. Allele origin: germline.
Comment: This variant is classified as benign based on ACMG/AMP sequence variant interpretation guidelines (Richards et al. 2015 PMID: 25741868, with internal and published modifications).

NM_006794.4(GPR75):c.857G>A (p.Arg286His)

Genes: GPR75 (G protein-coupled receptor 75; minus strand), GPR75-ASB3 (GPR75-ASB3 readthrough; minus strand). Cytogenetic location: 2p16.2.
Variant type: single nucleotide variant.
Coding change: c.857G>A on transcript NM_006794.4 (MANE Select); coding-DNA position 857, G replaced by A.
Protein change: p.Arg286His; replaces arginine 286 with histidine.
Molecular consequence: missense variant. On other transcripts: intron variant (1).
Genome position (GRCh38, 1-based): chr2:53,853,900, C>T on the plus strand (G>A on the coding strand, the complement: GPR75 is on the minus strand). VCF-style: chr2-53853900-C-T. GRCh37 (hg19) VCF-style: chr2-54081037-C-T.
Other names: c.101+5928G>A (NM_001164165.2); short protein forms R286H.
Identifiers: ClinVar variation 3043624 (VCV003043624.2), dbSNP rs373780716, ClinGen allele CA1657047.